The following is an entry in ClinVar:

ClinVar aggregate classification (germline): Uncertain significance. Review status: criteria provided, multiple submitters, no conflicts (2 of 4 stars). 3 submissions from 3 submitters: Uncertain significance (3). Last evaluated 2025-09-14.

Conditions:
Cardiovascular phenotype. Identifiers: MedGen CN230736.
Catecholaminergic polymorphic ventricular tachycardia 1. Also called: VENTRICULAR TACHYCARDIA, CATECHOLAMINERGIC POLYMORPHIC, 1, WITH OR WITHOUT ATRIAL DYSFUNCTION AND/OR DILATED CARDIOMYOPATHY; VENTRICULAR TACHYCARDIA, STRESS-INDUCED POLYMORPHIC 1; RYR2-Related Catecholaminergic Polymorphic Ventricular Tachycardia. Identifiers: Orphanet 3286, MedGen C1631597, MONDO:0011484, OMIM 604772.
Cardiomyopathy (CMYO). Also called: Cardiomyopathies. Identifiers: Orphanet 167848, MedGen C0878544, MONDO:0004994, HP:0001638. Inheritance: Various modes of inheritance.

gnomAD v4.1: 11 of 1,612,904 alleles (0.00068%); highest among the groups gnomAD compares: Non-Finnish European, 0.00093%; no homozygotes.

Submissions (3):

Color Diagnostics, LLC DBA Color Health
Classification: Uncertain significance for Cardiomyopathy. Last evaluated: 2025-09-14. Review status: criteria provided, single submitter. Criteria: ACMG Guidelines, 2015. Collection method: clinical testing. Allele origin: germline.
Comment: This missense variant replaces methionine with leucine at codon 2828 of the RYR2 protein. Computational prediction suggests that this variant may not impact protein structure and function. To our knowledge, functional studies have not been reported for this variant. This variant has not been reported in individuals affected with RYR2-related disorders in the literature. This variant has been identified in 1/247492 chromosomes in the general population by the Genome Aggregation Database (gnomAD). The available evidence is insufficient to determine the role of this variant in disease conclusively. Therefore, this variant is classified as a Variant of Uncertain Significance.

Labcorp Genetics (formerly Invitae), Labcorp
Classification: Uncertain significance for Catecholaminergic polymorphic ventricular tachycardia 1. Last evaluated: 2025-01-22. Review status: criteria provided, single submitter. Criteria: Invitae Variant Classification Sherloc (09022015). Collection method: clinical testing. Allele origin: germline.
Comment: This sequence change replaces methionine, which is neutral and non-polar, with leucine, which is neutral and non-polar, at codon 2828 of the RYR2 protein (p.Met2828Leu). This variant is present in population databases (no rsID available, gnomAD 0.0009%). This variant has not been reported in the literature in individuals affected with RYR2-related conditions. ClinVar contains an entry for this variant (Variation ID: 1763547). Invitae Evidence Modeling of protein sequence and biophysical properties (such as structural, functional, and spatial information, amino acid conservation, physicochemical variation, residue mobility, and thermodynamic stability) indicates that this missense variant is not expected to disrupt RYR2 protein function with a negative predictive value of 95%. In summary, the available evidence is currently insufficient to determine the role of this variant in disease. Therefore, it has been classified as a Variant of Uncertain Significance.

Ambry Genetics
Classification: Uncertain significance for Cardiovascular phenotype. Last evaluated: 2019-09-25. Review status: criteria provided, single submitter. Criteria: Ambry Variant Classification Scheme 2023. Collection method: clinical testing. Allele origin: germline.
Comment: The p.M2828L variant (also known as c.8482A>T), located in coding exon 57 of the RYR2 gene, results from an A to T substitution at nucleotide position 8482. The methionine at codon 2828 is replaced by leucine, an amino acid with highly similar properties. This amino acid position is highly conserved in available vertebrate species. In addition, the in silico prediction for this alteration is inconclusive. Since supporting evidence is limited at this time, the clinical significance of this alteration remains unclear.

NM_001035.3(RYR2):c.8482A>T (p.Met2828Leu)

Gene: RYR2 (ryanodine receptor 2; plus strand). Cytogenetic location: 1q43.
Variant type: single nucleotide variant.
Coding change: c.8482A>T on transcript NM_001035.3 (MANE Select); coding-DNA position 8482, A replaced by T.
Protein change: p.Met2828Leu; replaces methionine 2828 with leucine.
Molecular consequence: missense variant.
Genome position (GRCh38, 1-based): chr1:237,666,557, A>T. VCF-style: chr1-237666557-A-T. GRCh37 (hg19) VCF-style: chr1-237829857-A-T.
Other names: short protein forms M2828L.
Identifiers: ClinVar variation 1763547 (VCV001763547.4), dbSNP rs948094250, ClinGen allele CA345402131.